The following is an entry in ClinVar:

NM_201596.3(CACNB2):c.1657G>A (p.Glu553Lys)

Gene: CACNB2 (calcium voltage-gated channel auxiliary subunit beta 2; plus strand). Cytogenetic location: 10p12.31.
Variant type: single nucleotide variant.
Coding change: c.1657G>A on transcript NM_201596.3 (MANE Select); coding-DNA position 1657, G replaced by A.
Protein change: p.Glu553Lys; replaces glutamic acid 553 with lysine.
Molecular consequence: missense variant.
Genome position (GRCh38, 1-based): chr10:18,539,398, G>A. VCF-style: chr10-18539398-G-A. GRCh37 (hg19) VCF-style: chr10-18828327-G-A.
Other names: c.1495G>A, p.Glu499Lys (NM_201590.3); c.1543G>A, p.Glu515Lys (NM_201593.3); c.1585G>A, p.Glu529Lys (NM_201597.3); c.1492G>A, p.Glu498Lys (NM_000724.4); c.1459G>A, p.Glu487Lys (NM_001167945.2); c.1378G>A, p.Glu460Lys (NM_001330060.2); c.1399G>A, p.Glu467Lys (NM_001410882.1); c.1513G>A, p.Glu505Lys (NM_201570.3); and 2 more; short protein forms E501K, E553K, E460K, E498K, E525K, E487K, E505K, E467K.
Identifiers: ClinVar variation 2699433 (VCV002699433.3), dbSNP rs746408298, ClinGen allele CA376071641.
Genomic context (GRCh38, chr10:18,539,398, plus strand): 5'-TCCTCCTCAGCCCCACACCACAACCATCGCAGTGGGACAAGTCGCGGCCTCTCCAGGCAA[G>A]AGACATTTGACTCGGAAACCCAGGAGAGTCGAGACTCTGCCTACGTAGAGCCAAAGGAAG-3'
Protein context (NP_963890.2, residues 543-563): SGTSRGLSRQ[Glu553Lys]TFDSETQESR

ClinVar aggregate classification (germline): Uncertain significance (1 of 4 stars; one submission).

Conditions:
Brugada syndrome 4 (BRGDA4). Identifiers: Orphanet 130, MedGen C2678477, MONDO:0012743, OMIM 611876.

Submission:

Labcorp Genetics (formerly Invitae), Labcorp
Classification: Uncertain significance for Brugada syndrome 4. Last evaluated: 2023-11-28. Review status: criteria provided, single submitter. Criteria: Invitae Variant Classification Sherloc (09022015). Collection method: clinical testing. Allele origin: germline.
Comment: This sequence change replaces glutamic acid, which is acidic and polar, with lysine, which is basic and polar, at codon 499 of the CACNB2 protein (p.Glu499Lys). This variant is not present in population databases (gnomAD no frequency). This variant has not been reported in the literature in individuals affected with CACNB2-related conditions. Advanced modeling of protein sequence and biophysical properties (such as structural, functional, and spatial information, amino acid conservation, physicochemical variation, residue mobility, and thermodynamic stability) performed at Invitae indicates that this missense variant is not expected to disrupt CACNB2 protein function with a negative predictive value of 80%. In summary, the available evidence is currently insufficient to determine the role of this variant in disease. Therefore, it has been classified as a Variant of Uncertain Significance.